The following is an entry in ClinVar:

NM_003098.3(SNTA1):c.496+297G>C

Gene: SNTA1 (syntrophin alpha 1; minus strand). Cytogenetic location: 20q11.21.
Variant type: single nucleotide variant.
Coding change: c.496+297G>C on transcript NM_003098.3 (MANE Select); 297 bases into the intron after coding-DNA position 496, G replaced by C.
Molecular consequence: intron variant.
Genome position (GRCh38, 1-based): chr20:33,438,544, C>G on the plus strand (G>C on the coding strand, the complement: SNTA1 is on the minus strand). VCF-style: chr20-33438544-C-G. GRCh37 (hg19) VCF-style: chr20-32026350-C-G.
Identifiers: ClinVar variation 683867 (VCV000683867.1), dbSNP rs3764672, ClinGen allele CA14807634.

ClinVar aggregate classification (germline): Benign (1 of 4 stars; one submission).

Allele frequency attached by ClinVar (database versions not stated): TOPMed 0.41279; gnomAD 0.42363; 1000 Genomes Project 30x 0.34994; 1000 Genomes Project 0.34764.
gnomAD v4.1: 64,753 of 152,056 alleles (43%); highest among the groups gnomAD compares: Non-Finnish European, 51%; 14,653 homozygotes.

Submission:

GeneDx
Classification: Benign. Last evaluated: 2018-06-18. Review status: criteria provided, single submitter. Criteria: GeneDx Variant Classification (06012015). Collection method: clinical testing. Allele origin: germline. Affected: yes.
Comment: This variant is considered likely benign or benign based on one or more of the following criteria: it is a conservative change, it occurs at a poorly conserved position in the protein, it is predicted to be benign by multiple in silico algorithms, and/or has population frequency not consistent with disease.